The following is an entry in ClinVar:

ClinVar aggregate classification (germline): Uncertain significance (1 of 4 stars; one submission).

Conditions:
POLD1-related polyposis and colorectal cancer syndrome (CRCS10). Also called: Colorectal cancer, susceptibility to, 10; Colorectal cancer 10; COLORECTAL CANCER, SUSCEPTIBILITY TO, ON CHROMOSOME 19q. Identifiers: Orphanet 220460, MedGen C2675481, MONDO:0012953, OMIM 612591.

Allele frequency attached by ClinVar (database versions not stated): ExAC 0.00001.

Submission:

Labcorp Genetics (formerly Invitae), Labcorp
Classification: Uncertain significance for POLD1-related polyposis and colorectal cancer syndrome. Last evaluated: 2022-01-27. Review status: criteria provided, single submitter. Criteria: Invitae Variant Classification Sherloc (09022015). Collection method: clinical testing. Allele origin: germline.
Comment: In summary, the available evidence is currently insufficient to determine the role of this variant in disease. Therefore, it has been classified as a Variant of Uncertain Significance. Algorithms developed to predict the effect of missense changes on protein structure and function (SIFT, PolyPhen-2, Align-GVGD) all suggest that this variant is likely to be tolerated. ClinVar contains an entry for this variant (Variation ID: 408087). This variant has not been reported in the literature in individuals affected with POLD1-related conditions. This variant is not present in population databases (gnomAD no frequency). This sequence change replaces valine, which is neutral and non-polar, with leucine, which is neutral and non-polar, at codon 596 of the POLD1 protein (p.Val596Leu).

NM_002691.4(POLD1):c.1786G>C (p.Val596Leu)

Gene: POLD1 (DNA polymerase delta 1, catalytic subunit; plus strand). Cytogenetic location: 19q13.33.
Variant type: single nucleotide variant.
Coding change: c.1786G>C on transcript NM_002691.4 (MANE Select); coding-DNA position 1786, G replaced by C.
Protein change: p.Val596Leu; replaces valine 596 with leucine.
Molecular consequence: missense variant. On other transcripts: non-coding transcript variant (1).
Genome position (GRCh38, 1-based): chr19:50,408,795, G>C. VCF-style: chr19-50408795-G-C. GRCh37 (hg19) VCF-style: chr19-50912052-G-C.
Other names: c.1786G>C, p.Val596Leu (NM_001256849.1); c.1864G>C, p.Val622Leu (NM_001308632.1); short protein forms V596L, V622L.
Identifiers: ClinVar variation 408087 (VCV000408087.11), dbSNP rs773180520, ClinGen allele CA9596284.